The following is an entry in ClinVar:

NM_001330078.2(NRXN1):c.1984G>A (p.Val662Ile)

Gene: NRXN1 (neurexin 1; minus strand). Cytogenetic location: 2p16.3.
Variant type: single nucleotide variant.
Coding change: c.1984G>A on transcript NM_001330078.2 (MANE Select); coding-DNA position 1984, G replaced by A.
Protein change: p.Val662Ile; replaces valine 662 with isoleucine.
Molecular consequence: missense variant.
Genome position (GRCh38, 1-based): chr2:50,538,412, C>T on the plus strand (G>A on the coding strand, the complement: NRXN1 is on the minus strand). VCF-style: chr2-50538412-C-T. GRCh37 (hg19) VCF-style: chr2-50765550-C-T.
Other names: c.2104G>A, p.Val702Ile (NM_001135659.3); c.1960G>A, p.Val654Ile (NM_001330077.2, NM_001330082.2, NM_001330095.2); c.1945G>A, p.Val649Ile (NM_001330083.2, NM_001330084.2); c.1984G>A, p.Val662Ile (NM_001330085.2, NM_001330086.2, NM_004801.6); c.1900G>A, p.Val634Ile (NM_001330087.2, NM_001330096.2); c.1930G>A, p.Val644Ile (NM_001330088.2); c.1981G>A, p.Val661Ile (NM_001330093.2); c.1972G>A, p.Val658Ile (NM_001330094.2); short protein forms V634I, V644I, V649I, V654I, V658I, V661I, V662I, V702I.
Identifiers: ClinVar variation 1696959 (VCV001696959.2), dbSNP rs2105259460, ClinGen allele CA346770703.

ClinVar aggregate classification (germline): Uncertain significance (1 of 4 stars; one submission).

Allele frequency attached by ClinVar (database versions not stated): gnomAD exomes below 0.00001.
gnomAD v4.1: 2 of 1,614,008 alleles (0.00012%); highest among the groups gnomAD compares: Non-Finnish European, 0.00017%; no homozygotes.

Submission:

GeneDx
Classification: Uncertain significance. Last evaluated: 2022-01-13. Review status: criteria provided, single submitter. Criteria: GeneDx Variant Classification Process June 2021. Collection method: clinical testing. Allele origin: germline. Affected: yes.
Comment: Not observed at significant frequency in large population cohorts (gnomAD); In silico analysis supports that this missense variant does not alter protein structure/function; Has not been previously published as pathogenic or benign to our knowledge